The following is an entry in ClinVar:

NM_000407.5(GP1BB):c.343G>T (p.Asp115Tyr)

Genes: GP1BB (glycoprotein Ib platelet subunit beta; plus strand), SEPT5-GP1BB (SEPT5-GP1BB readthrough; plus strand). Cytogenetic location: 22q11.21.
Variant type: single nucleotide variant.
Coding change: c.343G>T on transcript NM_000407.5 (MANE Select); coding-DNA position 343, G replaced by T.
Protein change: p.Asp115Tyr; replaces aspartic acid 115 with tyrosine.
Molecular consequence: missense variant. On other transcripts: non-coding transcript variant (2).
Genome position (GRCh38, 1-based): chr22:19,724,186, G>T. VCF-style: chr22-19724186-G-T. GRCh37 (hg19) VCF-style: chr22-19711709-G-T.
Other names: short protein forms D115Y.
Identifiers: ClinVar variation 2572155 (VCV002572155.1), dbSNP rs1428123812, ClinGen allele CA410677204.

ClinVar aggregate classification (germline): Uncertain significance (1 of 4 stars; one submission).

Conditions:
Bernard Soulier syndrome (BSS). Also called: GLYCOPROTEIN Ib, PLATELET, DEFICIENCY OF; PLATELET GLYCOPROTEIN Ib DEFICIENCY; VON WILLEBRAND FACTOR RECEPTOR DEFICIENCY; Giant platelet syndrome; Hemorrhagiparous thrombocytic dystrophy; Giant platelet disease. Identifiers: Orphanet 274, MedGen C0005129, MeSH D001606, MONDO:0009276, OMIM 231200.

Submission:

ISTH-SSC Genomics in Thrombosis and Hemostasis, KU Leuven, Center for Molecular and Vascular Biology
Classification: Uncertain significance for Bernard Soulier syndrome. Review status: criteria provided, single submitter. Criteria: ACMG Guidelines, 2015. Collection method: clinical testing. Allele origin: germline. Affected: yes. Observed: 1 heterozygote.
Comment: Submitted to the GoldVariant database by Kathleen Freson, Center for Molecular and Vascular Biology